The following is an entry in ClinVar:

ClinVar aggregate classification (germline): Uncertain significance. Review status: criteria provided, multiple submitters, no conflicts (2 of 4 stars). 2 submissions from 2 submitters: Uncertain significance (2). Last evaluated 2025-03-03.

Conditions:
Hereditary cancer-predisposing syndrome. Also called: Neoplastic Syndromes, Hereditary; Tumor predisposition; Hereditary Cancer Syndrome; Hereditary neoplastic syndrome. Identifiers: Orphanet 140162, MedGen C0027672, MeSH D009386, MONDO:0015356.
Juvenile polyposis syndrome (JPS). Identifiers: Orphanet 2929, MedGen C0345893, MONDO:0017380, OMIM 174900.

Allele frequency attached by ClinVar (database versions not stated): gnomAD exomes below 0.00001; gnomAD below 0.00001 and 0.00001.
gnomAD v4.1: 2 of 1,614,092 alleles (0.00012%); highest among the groups gnomAD compares: South Asian, 0.0022%; no homozygotes.

Submissions (2):

Labcorp Genetics (formerly Invitae), Labcorp
Classification: Uncertain significance for Juvenile polyposis syndrome. Last evaluated: 2025-03-03. Review status: criteria provided, single submitter. Criteria: Invitae Variant Classification Sherloc (09022015). Collection method: clinical testing. Allele origin: germline.
Comment: This sequence change replaces serine, which is neutral and polar, with alanine, which is neutral and non-polar, at codon 501 of the BMPR1A protein (p.Ser501Ala). This variant is not present in population databases (gnomAD no frequency). This variant has not been reported in the literature in individuals affected with BMPR1A-related conditions. ClinVar contains an entry for this variant (Variation ID: 566046). Invitae Evidence Modeling of protein sequence and biophysical properties (such as structural, functional, and spatial information, amino acid conservation, physicochemical variation, residue mobility, and thermodynamic stability) indicates that this missense variant is not expected to disrupt BMPR1A protein function with a negative predictive value of 80%. In summary, the available evidence is currently insufficient to determine the role of this variant in disease. Therefore, it has been classified as a Variant of Uncertain Significance.

Ambry Genetics
Classification: Uncertain significance for Hereditary cancer-predisposing syndrome. Last evaluated: 2025-01-24. Review status: criteria provided, single submitter. Criteria: Ambry Variant Classification Scheme 2023. Collection method: clinical testing. Allele origin: germline.
Comment: The p.S501A variant (also known as c.1501T>G), located in coding exon 11 of the BMPR1A gene, results from a T to G substitution at nucleotide position 1501. The serine at codon 501 is replaced by alanine, an amino acid with similar properties. This amino acid position is well conserved in available vertebrate species. In addition, this alteration is predicted to be tolerated by in silico analysis. Based on the available evidence, the clinical significance of this variant remains unclear.

NM_004329.3(BMPR1A):c.1501T>G (p.Ser501Ala)

Gene: BMPR1A (bone morphogenetic protein receptor type 1A; plus strand). Cytogenetic location: 10q23.2.
Variant type: single nucleotide variant.
Coding change: c.1501T>G on transcript NM_004329.3 (MANE Select); coding-DNA position 1501, T replaced by G.
Protein change: p.Ser501Ala; replaces serine 501 with alanine.
Molecular consequence: missense variant.
Genome position (GRCh38, 1-based): chr10:86,923,621, T>G. VCF-style: chr10-86923621-T-G. GRCh37 (hg19) VCF-style: chr10-88683378-T-G.
Other names: short protein forms S501A.
Identifiers: ClinVar variation 566046 (VCV000566046.11), dbSNP rs1564725794, ClinGen allele CA377463752.